The following is an entry in ClinVar:

ClinVar aggregate classification (germline): Uncertain significance (1 of 4 stars; one submission).

Conditions:
Cardiovascular phenotype. Identifiers: MedGen CN230736.

Submission:

Ambry Genetics
Classification: Uncertain significance for Cardiovascular phenotype. Last evaluated: 2025-04-01. Review status: criteria provided, single submitter. Criteria: Ambry Variant Classification Scheme 2023. Collection method: clinical testing. Allele origin: germline.
Comment: The p.K4154I variant (also known as c.12461A>T), located in coding exon 22 of the ALMS1 gene, results from an A to T substitution at nucleotide position 12461. The lysine at codon 4154 is replaced by isoleucine, an amino acid with dissimilar properties. This amino acid position is well conserved in available vertebrate species. In addition, the in silico prediction for this alteration is inconclusive. Based on the available evidence, the clinical significance of this variant remains unclear.

NM_001378454.1(ALMS1):c.12458A>T (p.Lys4153Ile)

Gene: ALMS1 (ALMS1 centrosome and basal body associated protein; plus strand). Cytogenetic location: 2p13.1.
Variant type: single nucleotide variant.
Coding change: c.12458A>T on transcript NM_001378454.1 (MANE Select); coding-DNA position 12458, A replaced by T.
Protein change: p.Lys4153Ile; replaces lysine 4153 with isoleucine.
Molecular consequence: missense variant.
Genome position (GRCh38, 1-based): chr2:73,608,570, A>T. VCF-style: chr2-73608570-A-T. GRCh37 (hg19) VCF-style: chr2-73835697-A-T.
Other names: c.12461A>T, p.Lys4154Ile (NM_015120.4); short protein forms K4154I, K4153I.
Identifiers: ClinVar variation 4042362 (VCV004042362.1).